The following is an entry in ClinVar:

ClinVar aggregate classification (germline): Conflicting classifications of pathogenicity. Review status: criteria provided, conflicting classifications (1 of 4 stars). 13 submissions from 13 submitters: Uncertain significance (1); Benign (7); Likely benign (1). 4 of the submissions do not count toward it. Last evaluated 2026-02-03.

Conditions:
Developmental and epileptic encephalopathy, 1 (DEE1). Also called: INFANTILE SPASM SYNDROME, X-LINKED 1; Epileptic encephalopathy, early infantile, 1; X-linked infantile spasms; West's syndrome; Tonic spasms with clustering, arrest of psychomotor development and hypsarrhythmia on EEG; X-Linked Infantile Spasm Syndrome. Identifiers: MedGen C3463992, MONDO:0010632, OMIM 308350. Disease mechanism: loss of function.
Intellectual disability, X-linked, with or without seizures, ARX-related. Also called: MENTAL RETARDATION, X-LINKED 29; MENTAL RETARDATION, X-LINKED 32; MENTAL RETARDATION, X-LINKED 33; MENTAL RETARDATION, X-LINKED 38; MENTAL RETARDATION, X-LINKED 43; MENTAL RETARDATION, X-LINKED 76. Identifiers: Orphanet 777, MedGen C0796244, MONDO:0010317, OMIM 300419.
Inborn genetic diseases. Identifiers: MedGen C0950123, MeSH D030342.

Allele frequency attached by ClinVar (database versions not stated): 1000 Genomes Project 0.00079; 1000 Genomes Project 30x 0.00166; TOPMed 0.00245; ExAC 0.00266; ESP Exome Variant Server 0.00278; gnomAD exomes 0.00299 and 0.00417; gnomAD 0.00335 and 0.00349.

Submissions (13):

Labcorp Genetics (formerly Invitae), Labcorp
Classification: Benign for Developmental and epileptic encephalopathy, 1; Intellectual disability, X-linked, with or without seizures, ARX-related. Last evaluated: 2026-02-03. Review status: criteria provided, single submitter. Criteria: Invitae Variant Classification Sherloc (09022015). Collection method: clinical testing. Allele origin: germline.

Blueprint Genetics
Classification: Likely benign. Last evaluated: 2024-11-22. Review status: criteria provided, single submitter. Criteria: ACMG Guidelines, 2015. Collection method: clinical testing. Allele origin: germline.

Athena Diagnostics
Classification: Benign. Last evaluated: 2022-02-18. Review status: criteria provided, single submitter. Criteria: Athena Diagnostics Criteria. Collection method: clinical testing. Allele origin: unknown.

Mayo Clinic Laboratories, Mayo Clinic
Classification: Benign. Last evaluated: 2019-09-05. Review status: criteria provided, single submitter. Criteria: ACMG Guidelines, 2015. Collection method: clinical testing. Allele origin: germline. Observed: 4 variant alleles.

Ambry Genetics
Classification: Benign for Inborn genetic diseases. Last evaluated: 2017-05-22. Review status: criteria provided, single submitter. Criteria: Ambry Variant Classification Scheme 2023. Collection method: clinical testing. Allele origin: germline.

CeGaT Center for Human Genetics Tuebingen
Classification: Uncertain significance. Last evaluated: 2016-08-01. Review status: criteria provided, single submitter. Criteria: CeGaT Center For Human Genetics Tuebingen Variant Classification Criteria Version 2. Collection method: clinical testing. Allele origin: germline. Affected: yes. Observed: 1 variant allele.

Eurofins Ntd Llc (ga)
Classification: Benign. Last evaluated: 2013-08-07. Review status: criteria provided, single submitter. Criteria: EGL Classification Definitions 2015. Collection method: clinical testing. Allele origin: germline. Observed: 3 variant alleles, 2 heterozygotes, 1 hemizygote.

Genetic Services Laboratory, University of Chicago
Classification: Benign. Last evaluated: 2013-02-08. Review status: criteria provided, single submitter. Criteria: ACMG Guidelines, 2007. Collection method: clinical testing. Allele origin: germline. Inheritance: X-linked inheritance.

GeneDx
Classification: Benign. Last evaluated: 2012-12-07. Review status: criteria provided, single submitter. Criteria: GeneDx Variant Classification (06012015). Collection method: clinical testing. Allele origin: germline. Affected: yes.
Comment: This variant is considered likely benign or benign based on one or more of the following criteria: it is a conservative change, it occurs at a poorly conserved position in the protein, it is predicted to be benign by multiple in silico algorithms, and/or has population frequency not consistent with disease.

Clinical Genetics DNA and cytogenetics Diagnostics Lab, Erasmus MC, Erasmus Medical Center
Classification: Likely benign. Review status: no assertion criteria provided. Collection method: clinical testing. Allele origin: germline. Affected: yes. Study: VKGL Data-share Consensus. Not counted in ClinVar's aggregate classification.

Diagnostic Laboratory, Department of Genetics, University Medical Center Groningen
Classification: Likely benign. Review status: no assertion criteria provided. Collection method: clinical testing. Allele origin: germline. Affected: yes. Study: VKGL Data-share Consensus. Not counted in ClinVar's aggregate classification.

Genome Diagnostics Laboratory, University Medical Center Utrecht
Classification: Benign. Review status: no assertion criteria provided. Collection method: clinical testing. Allele origin: germline. Affected: yes. Study: VKGL Data-share Consensus. Not counted in ClinVar's aggregate classification.

Joint Genome Diagnostic Labs from Nijmegen and Maastricht, Radboudumc and MUMC+
Classification: Likely benign. Review status: no assertion criteria provided. Collection method: clinical testing. Allele origin: germline. Affected: yes. Study: VKGL Data-share Consensus. Not counted in ClinVar's aggregate classification.

NM_139058.3(ARX):c.1671G>A (p.Thr557=)

Gene: ARX (aristaless related homeobox; minus strand). Cytogenetic location: Xp21.3.
Variant type: single nucleotide variant.
Coding change: c.1671G>A on transcript NM_139058.3 (MANE Select); coding-DNA position 1671, G replaced by A.
Protein change: p.Thr557=; no amino-acid change (threonine 557 retained).
Molecular consequence: synonymous variant.
Genome position (GRCh38, 1-based): chrX:25,004,688, C>T on the plus strand (G>A on the coding strand, the complement: ARX is on the minus strand). VCF-style: chrX-25004688-C-T. GRCh37 (hg19) VCF-style: chrX-25022805-C-T.
Other names: p.T557T:ACG>ACA; p.Thr557=.
Identifiers: ClinVar variation 96453 (VCV000096453.72), dbSNP rs190910161, ClinGen allele CA149541.